The following is an entry in ClinVar:

NM_014141.6(CNTNAP2):c.241C>G (p.His81Asp)

Gene: CNTNAP2 (contactin associated protein 2; plus strand). Cytogenetic location: 7q35.
Variant type: single nucleotide variant.
Coding change: c.241C>G on transcript NM_014141.6 (MANE Select); coding-DNA position 241, C replaced by G.
Protein change: p.His81Asp; replaces histidine 81 with aspartic acid.
Molecular consequence: missense variant.
Genome position (GRCh38, 1-based): chr7:146,839,743, C>G. VCF-style: chr7-146839743-C-G. GRCh37 (hg19) VCF-style: chr7-146536835-C-G.
Other names: short protein forms H81D.
Identifiers: ClinVar variation 1901746 (VCV001901746.5), dbSNP rs373539525, ClinGen allele CA4545737.
Genomic context (GRCh38, chr7:146,839,743, plus strand): 5'-TTCCCATCTTACCTCTGCCCATCTTCAGGTGCTGGGGGATGGTCTCCATCAGACAGCGAC[C>G]ATTATCAATGGCTTCAGGTTGACTTTGGCAATCGGAAGCAGATCAGTGCCATTGCAACCC-3'
Protein context (NP_054860.1, residues 71-91): AGGWSPSDSD[His81Asp]YQWLQVDFGN

ClinVar aggregate classification (germline): Uncertain significance (1 of 4 stars; one submission).

Conditions:
Cortical dysplasia-focal epilepsy syndrome (PTHSL1). Also called: Pitt-Hopkins-like syndrome 1. Identifiers: Orphanet 163681, Orphanet 221150, MedGen C2750246, MONDO:0012400, OMIM 610042.

Allele frequency attached by ClinVar (database versions not stated): gnomAD exomes below 0.00001; ExAC 0.00002; gnomAD 0.00002; TOPMed 0.00004; ESP Exome Variant Server 0.00008.
gnomAD v4.1: 5 of 1,614,056 alleles (0.00031%); highest among the groups gnomAD compares: African/African-American, 0.0067%; no homozygotes.

Submission:

Labcorp Genetics (formerly Invitae), Labcorp
Classification: Uncertain significance for Cortical dysplasia-focal epilepsy syndrome. Last evaluated: 2024-10-15. Review status: criteria provided, single submitter. Criteria: Invitae Variant Classification Sherloc (09022015). Collection method: clinical testing. Allele origin: germline.
Comment: This sequence change replaces histidine, which is basic and polar, with aspartic acid, which is acidic and polar, at codon 81 of the CNTNAP2 protein (p.His81Asp). This variant is present in population databases (rs373539525, gnomAD 0.03%). This variant has not been reported in the literature in individuals affected with CNTNAP2-related conditions. ClinVar contains an entry for this variant (Variation ID: 1901746). An algorithm developed to predict the effect of missense changes on protein structure and function (PolyPhen-2) suggests that this variant is likely to be tolerated. In summary, the available evidence is currently insufficient to determine the role of this variant in disease. Therefore, it has been classified as a Variant of Uncertain Significance.